The following is an entry in ClinVar:

NM_022916.6(VPS33A):c.451C>A (p.Leu151Ile)

Gene: VPS33A (VPS33A core subunit of CORVET and HOPS complexes; minus strand). Cytogenetic location: 12q24.31.
Variant type: single nucleotide variant.
Coding change: c.451C>A on transcript NM_022916.6 (MANE Select); coding-DNA position 451, C replaced by A.
Protein change: p.Leu151Ile; replaces leucine 151 with isoleucine.
Molecular consequence: missense variant.
Genome position (GRCh38, 1-based): chr12:122,261,293, G>T on the plus strand (C>A on the coding strand, the complement: VPS33A is on the minus strand). VCF-style: chr12-122261293-G-T. GRCh37 (hg19) VCF-style: chr12-122745840-G-T.
Other names: p.Leu151Ile; c.418C>A, p.Leu140Ile (NM_001351018.2); c.403C>A, p.Leu135Ile (NM_001351019.2); c.451C>A, p.Leu151Ile (NM_001351020.2, NM_001351021.2); short protein forms L135I, L140I, L151I.
Identifiers: ClinVar variation 4541748 (VCV004541748.1).

ClinVar aggregate classification (germline): Uncertain significance (1 of 4 stars; one submission).

gnomAD v4.1: 2 of 1,609,652 alleles (0.00012%); highest among the groups gnomAD compares: Non-Finnish European, 0.00017%; no homozygotes.

Submission:

Mayo Clinic Laboratories, Mayo Clinic
Classification: Uncertain significance. Last evaluated: 2025-12-04. Review status: criteria provided, single submitter. Criteria: ACMG Guidelines, 2015. Collection method: clinical testing. Allele origin: germline. Observed: 1 variant allele.
Comment: PM2_supporting